The following is an entry in ClinVar:

ClinVar aggregate classification (germline): Uncertain significance (1 of 4 stars; one submission).

Conditions:
Charcot-Marie-Tooth disease type 2. Also called: Charcot-Marie-Tooth type 2. Identifiers: Orphanet 64746, MedGen C0270914, MONDO:0018993.

gnomAD v4.1: 1 of 1,613,800 alleles (0.000062%); highest among the groups gnomAD compares: African/African-American, 0.0013%; no homozygotes.

Submission:

Labcorp Genetics (formerly Invitae), Labcorp
Classification: Uncertain significance for Charcot-Marie-Tooth disease type 2. Last evaluated: 2025-01-13. Review status: criteria provided, single submitter. Criteria: Invitae Variant Classification Sherloc (09022015). Collection method: clinical testing. Allele origin: germline.
Comment: This sequence change replaces cysteine, which is neutral and slightly polar, with arginine, which is basic and polar, at codon 773 of the AARS protein (p.Cys773Arg). This variant is not present in population databases (gnomAD no frequency). This variant has not been reported in the literature in individuals affected with AARS-related conditions. Invitae Evidence Modeling of protein sequence and biophysical properties (such as structural, functional, and spatial information, amino acid conservation, physicochemical variation, residue mobility, and thermodynamic stability) indicates that this missense variant is not expected to disrupt AARS protein function with a negative predictive value of 95%. In summary, the available evidence is currently insufficient to determine the role of this variant in disease. Therefore, it has been classified as a Variant of Uncertain Significance.

NM_001605.3(AARS1):c.2317T>C (p.Cys773Arg)

Gene: AARS1 (alanyl-tRNA synthetase 1; minus strand). Cytogenetic location: 16q22.1.
Variant type: single nucleotide variant.
Coding change: c.2317T>C on transcript NM_001605.3 (MANE Select); coding-DNA position 2317, T replaced by C.
Protein change: p.Cys773Arg; replaces cysteine 773 with arginine.
Molecular consequence: missense variant.
Genome position (GRCh38, 1-based): chr16:70,254,704, A>G on the plus strand (T>C on the coding strand, the complement: AARS1 is on the minus strand). VCF-style: chr16-70254704-A-G. GRCh37 (hg19) VCF-style: chr16-70288607-A-G.
Other names: short protein forms C773R.
Identifiers: ClinVar variation 3663461 (VCV003663461.2).
Genomic context (GRCh38, chr16:70,254,704, plus strand): 5'-TCTGCACATCCTTGTTTGGAGCAGTCTGAGCCTTCACTTTGGCTTCCATGACAGAGAGAC[A>G]TTTCTTCAAGCTCTCTGCTTTCCTGAGGGCCTGGGAGGGGACACCGGGTCAACCCCAAGC-3'
Protein context (NP_001596.2, residues 763-783): ALRKAESLKK[Cys773Arg]LSVMEAKVKA